The following is an entry in ClinVar:

ClinVar aggregate classification (germline): Uncertain significance. Review status: criteria provided, multiple submitters, no conflicts (2 of 4 stars). 2 submissions from 2 submitters: Uncertain significance (2). Last evaluated 2025-08-29.

Conditions:
Hereditary cancer-predisposing syndrome. Also called: Neoplastic Syndromes, Hereditary; Tumor predisposition; Hereditary Cancer Syndrome; Hereditary neoplastic syndrome. Identifiers: Orphanet 140162, MedGen C0027672, MeSH D009386, MONDO:0015356.

Allele frequency attached by ClinVar (database versions not stated): gnomAD exomes below 0.00001; TOPMed below 0.00001; gnomAD 0.00001.
gnomAD v4.1: 7 of 1,612,980 alleles (0.00043%); highest among the groups gnomAD compares: South Asian, 0.0044%; no homozygotes.

Submissions (2):

Labcorp Genetics (formerly Invitae), Labcorp
Classification: Uncertain significance. Last evaluated: 2025-08-29. Review status: criteria provided, single submitter. Criteria: Invitae Variant Classification Sherloc (09022015). Collection method: clinical testing. Allele origin: germline.
Comment: This sequence change replaces threonine, which is neutral and polar, with alanine, which is neutral and non-polar, at codon 2023 of the POLE protein (p.Thr2023Ala). This variant is present in population databases (no rsID available, gnomAD 0.003%). This variant has not been reported in the literature in individuals affected with POLE-related conditions. ClinVar contains an entry for this variant (Variation ID: 649020). Experimental studies and prediction algorithms are not available or were not evaluated, and the functional significance of this variant is currently unknown. In summary, the available evidence is currently insufficient to determine the role of this variant in disease. Therefore, it has been classified as a Variant of Uncertain Significance.

Ambry Genetics
Classification: Uncertain significance for Hereditary cancer-predisposing syndrome. Last evaluated: 2025-01-06. Review status: criteria provided, single submitter. Criteria: Ambry Variant Classification Scheme 2023. Collection method: clinical testing. Allele origin: germline.
Comment: The p.T2023A variant (also known as c.6067A>G), located in coding exon 44 of the POLE gene, results from an A to G substitution at nucleotide position 6067. The threonine at codon 2023 is replaced by alanine, an amino acid with similar properties. This amino acid position is highly conserved in available vertebrate species. In addition, the in silico prediction for this alteration is inconclusive. Based on the available evidence, the clinical significance of this variant remains unclear.

NM_006231.4(POLE):c.6067A>G (p.Thr2023Ala)

Gene: POLE (DNA polymerase epsilon, catalytic subunit; minus strand). Cytogenetic location: 12q24.33.
Variant type: single nucleotide variant.
Coding change: c.6067A>G on transcript NM_006231.4 (MANE Select); coding-DNA position 6067, A replaced by G.
Protein change: p.Thr2023Ala; replaces threonine 2023 with alanine.
Molecular consequence: missense variant.
Genome position (GRCh38, 1-based): chr12:132,632,733, T>C on the plus strand (A>G on the coding strand, the complement: POLE is on the minus strand). VCF-style: chr12-132632733-T-C. GRCh37 (hg19) VCF-style: chr12-133209319-T-C.
Other names: c.6067A>G (NM_006231.2); short protein forms T2023A.
Identifiers: ClinVar variation 649020 (VCV000649020.9), dbSNP rs1385486279, ClinGen allele CA387370647.